The following is an entry in ClinVar:

ClinVar aggregate classification (germline): Likely benign. Review status: criteria provided, single submitter (1 of 4 stars). 2 submissions from 2 submitters: Likely benign (1). 1 of the submissions does not count toward it. Last evaluated 2026-01-01.

Conditions:
DCHS2-related disorder. Also called: DCHS2-related condition.

Allele frequency attached by ClinVar (database versions not stated): 1000 Genomes Project 0.00479; 1000 Genomes Project 30x 0.00500; gnomAD 0.00633; ESP Exome Variant Server 0.00669; gnomAD exomes 0.00698; ExAC 0.00712.
gnomAD v4.1: 11,299 of 1,613,926 alleles (0.7%); highest among the groups gnomAD compares: Middle Eastern, 2.6%; 65 homozygotes.

Submissions (2):

CeGaT Center for Human Genetics Tuebingen
Classification: Likely benign. Last evaluated: 2026-01-01. Review status: criteria provided, single submitter. Criteria: CeGaT Center For Human Genetics Tuebingen Variant Classification Criteria Version 2. Collection method: clinical testing. Allele origin: germline. Affected: yes. Observed: 1 variant allele.
Comment: DCHS2: BP4, BP7, BS2

PreventionGenetics, part of Exact Sciences
Classification: Benign for DCHS2-related condition. Last evaluated: 2019-03-15. Review status: no assertion criteria provided. Collection method: clinical testing. Allele origin: germline. Not counted in ClinVar's aggregate classification.
Comment: This variant is classified as benign based on ACMG/AMP sequence variant interpretation guidelines (Richards et al. 2015 PMID: 25741868, with internal and published modifications).

NM_001358235.2(DCHS2):c.7161T>C (p.Ser2387=)

Genes: DCHS2 (dachsous cadherin-related 2; minus strand), DCHS2-AS1 (DCHS2 antisense RNA 1; plus strand). Cytogenetic location: 4q31.3.
Variant type: single nucleotide variant.
Coding change: c.7161T>C on transcript NM_001358235.2 (MANE Select); coding-DNA position 7161, T replaced by C.
Protein change: p.Ser2387=; no amino-acid change (serine 2387 retained).
Molecular consequence: synonymous variant.
Genome position (GRCh38, 1-based): chr4:154,240,735, A>G on the plus strand (T>C on the coding strand, the complement: DCHS2 is on the minus strand). VCF-style: chr4-154240735-A-G. GRCh37 (hg19) VCF-style: chr4-155161887-A-G.
Identifiers: ClinVar variation 3039121 (VCV003039121.6), dbSNP rs41280475, ClinGen allele CA3112196.